The following is an entry in ClinVar:

ClinVar aggregate classification (germline): Benign (0 of 4 stars; one submission).

Conditions:
IRS2-related disorder. Also called: IRS2-related condition.

Allele frequency attached by ClinVar (database versions not stated): ExAC 0.55375; 1000 Genomes Project 30x 0.55403; 1000 Genomes Project 0.55950; gnomAD exomes 0.58118; gnomAD 0.58959; TOPMed 0.59430; ESP Exome Variant Server 0.63954.
gnomAD v4.1: 899,963 of 1,548,092 alleles (58%); highest among the groups gnomAD compares: Admixed American, 67%; 263,279 homozygotes.

Submission:

PreventionGenetics, part of Exact Sciences
Classification: Benign for IRS2-related condition. Last evaluated: 2019-10-17. Review status: no assertion criteria provided. Collection method: clinical testing. Allele origin: germline.
Comment: This variant is classified as benign based on ACMG/AMP sequence variant interpretation guidelines (Richards et al. 2015 PMID: 25741868, with internal and published modifications).

NM_003749.3(IRS2):c.2169C>T (p.Ser723=)

Gene: IRS2 (insulin receptor substrate 2; minus strand). Cytogenetic location: 13q34.
Variant type: single nucleotide variant.
Coding change: c.2169C>T on transcript NM_003749.3 (MANE Select); coding-DNA position 2169, C replaced by T.
Protein change: p.Ser723=; no amino-acid change (serine 723 retained).
Molecular consequence: synonymous variant.
Genome position (GRCh38, 1-based): chr13:109,783,885, G>A on the plus strand (C>T on the coding strand, the complement: IRS2 is on the minus strand). VCF-style: chr13-109783885-G-A. GRCh37 (hg19) VCF-style: chr13-110436232-G-A.
Identifiers: ClinVar variation 3060213 (VCV003060213.2), dbSNP rs3742210, ClinGen allele CA7046412.
Genomic context (GRCh38, chr13:109,783,885, plus strand): 5'-CATGTACCCACTGTCCTCGGGGGAGCTCTCGGCGGGCGAGCTGGCCTTGTAGCCGCCCCC[G>A]CTCGCCGGGAATGTCCTGCCCGCCGCAGAGGTGGGTGCTGGCCCCGCAGGCCCCGCAGAA-3'
Protein context (NP_003740.2, residues 713-733): TSAAGRTFPA[Ser723=]GGGYKASSPA